The following is an entry in ClinVar:

ClinVar aggregate classification (germline): Uncertain significance (1 of 4 stars; one submission).

Conditions:
Cardiovascular phenotype. Identifiers: MedGen CN230736.

Submission:

Ambry Genetics
Classification: Uncertain significance for Cardiovascular phenotype. Last evaluated: 2026-03-12. Review status: criteria provided, single submitter. Criteria: Ambry Variant Classification Scheme 2023. Collection method: clinical testing. Allele origin: germline.
Comment: The p.G1306R variant (also known as c.3916G>A), located in coding exon 26 of the MYH6 gene, results from a G to A substitution at nucleotide position 3916. The glycine at codon 1306 is replaced by arginine, an amino acid with dissimilar properties. This amino acid position is conserved. In addition, this alteration is predicted to be deleterious by in silico analysis. Based on the available evidence, the clinical significance of this variant remains unclear.

NM_002471.4(MYH6):c.3916G>A (p.Gly1306Arg)

Gene: MYH6 (myosin heavy chain 6; minus strand). Cytogenetic location: 14q11.2.
Variant type: single nucleotide variant.
Coding change: c.3916G>A on transcript NM_002471.4 (MANE Select); coding-DNA position 3916, G replaced by A.
Protein change: p.Gly1306Arg; replaces glycine 1306 with arginine.
Molecular consequence: missense variant.
Genome position (GRCh38, 1-based): chr14:23,389,455, C>T on the plus strand (G>A on the coding strand, the complement: MYH6 is on the minus strand). VCF-style: chr14-23389455-C-T. GRCh37 (hg19) VCF-style: chr14-23858664-C-T.
Other names: short protein forms G1306R.
Identifiers: ClinVar variation 4827348 (VCV004827348.1).